The following is an entry in ClinVar:

NM_030962.4(SBF2):c.4876C>G (p.Pro1626Ala)

Genes: SBF2 (SET binding factor 2; minus strand), SBF2-AS1 (SBF2 antisense RNA 1; plus strand), LOC105369149 (uncharacterized LOC105369149; plus strand). Cytogenetic location: 11p15.4.
Variant type: single nucleotide variant.
Coding change: c.4876C>G on transcript NM_030962.4 (MANE Select); coding-DNA position 4876, C replaced by G.
Protein change: p.Pro1626Ala; replaces proline 1626 with alanine.
Molecular consequence: missense variant.
Genome position (GRCh38, 1-based): chr11:9,789,165, G>C on the plus strand (C>G on the coding strand, the complement: SBF2 is on the minus strand). VCF-style: chr11-9789165-G-C. GRCh37 (hg19) VCF-style: chr11-9810712-G-C.
Other names: c.4972C>G, p.Pro1658Ala (NM_001386339.1); c.4747C>G, p.Pro1583Ala (NM_001386342.1); c.4912C>G, p.Pro1638Ala (NM_001424318.1); short protein forms P1583A, P1626A, P1638A, P1658A.
Identifiers: ClinVar variation 2635439 (VCV002635439.1), dbSNP rs772803513, ClinGen allele CA379633903.

ClinVar aggregate classification (germline): Uncertain significance (1 of 4 stars; one submission).

Conditions:
SBF2-related disorder. Also called: SBF2-related condition.

Allele frequency attached by ClinVar (database versions not stated): gnomAD 0.00001.
gnomAD v4.1: 4 of 1,614,012 alleles (0.00025%); highest among the groups gnomAD compares: African/African-American, 0.004%; no homozygotes.

Submission:

PreventionGenetics, part of Exact Sciences
Classification: Uncertain significance for SBF2-related condition. Last evaluated: 2022-11-23. Review status: criteria provided, single submitter. Criteria: ACMG Guidelines, 2015. Collection method: clinical testing. Allele origin: germline.
Comment: The SBF2 c.4876C>G variant is predicted to result in the amino acid substitution p.Pro1626Ala. To our knowledge, this variant has not been reported in the literature. This variant is reported in 0.0040% of alleles in individuals of African descent in gnomAD. At this time, the clinical significance of this variant is uncertain due to the absence of conclusive functional and genetic evidence.